The following is an entry in ClinVar:

ClinVar aggregate classification (germline): Uncertain significance (1 of 4 stars; one submission).

Allele frequency attached by ClinVar (database versions not stated): 1000 Genomes Project 30x 0.00031; 1000 Genomes Project 0.00040.
gnomAD v4.1: 70 of 1,614,188 alleles (0.0043%); highest among the groups gnomAD compares: South Asian, 0.07%; no homozygotes.

Submission:

Labcorp Genetics (formerly Invitae), Labcorp
Classification: Uncertain significance. Last evaluated: 2023-12-31. Review status: criteria provided, single submitter. Criteria: Invitae Variant Classification Sherloc (09022015). Collection method: clinical testing. Allele origin: germline.
Comment: This sequence change replaces glutamic acid, which is acidic and polar, with glutamine, which is neutral and polar, at codon 1705 of the FOCAD protein (p.Glu1705Gln). This variant is present in population databases (rs575079052, gnomAD 0.07%), and has an allele count higher than expected for a pathogenic variant. This variant has not been reported in the literature in individuals affected with FOCAD-related conditions. Experimental studies and prediction algorithms are not available or were not evaluated, and the functional significance of this variant is currently unknown. In summary, the available evidence is currently insufficient to determine the role of this variant in disease. Therefore, it has been classified as a Variant of Uncertain Significance.

NM_001375567.1(FOCAD):c.5113G>C (p.Glu1705Gln)

Gene: FOCAD (focadhesin; plus strand). Cytogenetic location: 9p21.3.
Variant type: single nucleotide variant.
Coding change: c.5113G>C on transcript NM_001375567.1 (MANE Select); coding-DNA position 5113, G replaced by C.
Protein change: p.Glu1705Gln; replaces glutamic acid 1705 with glutamine.
Molecular consequence: missense variant.
Genome position (GRCh38, 1-based): chr9:20,990,231, G>C. VCF-style: chr9-20990231-G-C. GRCh37 (hg19) VCF-style: chr9-20990230-G-C.
Other names: c.5008G>C, p.Glu1670Gln (NM_001375568.1, NM_001375570.1); c.5113G>C, p.Glu1705Gln (NM_017794.5); short protein forms E1705Q, E1670Q.
Identifiers: ClinVar variation 2893490 (VCV002893490.3), dbSNP rs575079052, ClinGen allele CA5008201.